The following is an entry in ClinVar:

ClinVar aggregate classification (germline): Uncertain significance (1 of 4 stars; one submission).

Conditions:
Autoimmune lymphoproliferative syndrome, type III caused by mutation in PRKCD. Identifiers: Orphanet 3261, Orphanet 664711, MedGen C3809928, MONDO:8000024, OMIM 615559.

Submission:

Labcorp Genetics (formerly Invitae), Labcorp
Classification: Uncertain significance for Autoimmune lymphoproliferative syndrome, type III caused by mutation in PRKCD. Last evaluated: 2024-10-04. Review status: criteria provided, single submitter. Criteria: Invitae Variant Classification Sherloc (09022015). Collection method: clinical testing. Allele origin: germline.
Comment: This sequence change replaces asparagine, which is neutral and polar, with aspartic acid, which is acidic and polar, at codon 498 of the PRKCD protein (p.Asn498Asp). This variant is not present in population databases (gnomAD no frequency). This variant has not been reported in the literature in individuals affected with PRKCD-related conditions. An algorithm developed to predict the effect of missense changes on protein structure and function (PolyPhen-2) suggests that this variant is likely to be tolerated. In summary, the available evidence is currently insufficient to determine the role of this variant in disease. Therefore, it has been classified as a Variant of Uncertain Significance.

NM_006254.4(PRKCD):c.1492A>G (p.Asn498Asp)

Gene: PRKCD (protein kinase C delta; plus strand). Cytogenetic location: 3p21.1.
Variant type: single nucleotide variant.
Coding change: c.1492A>G on transcript NM_006254.4 (MANE Select); coding-DNA position 1492, A replaced by G.
Protein change: p.Asn498Asp; replaces asparagine 498 with aspartic acid.
Molecular consequence: missense variant.
Genome position (GRCh38, 1-based): chr3:53,188,796, A>G. VCF-style: chr3-53188796-A-G. GRCh37 (hg19) VCF-style: chr3-53222812-A-G.
Other names: c.1492A>G, p.Asn498Asp (NM_212539.2, NM_001316327.2, NM_001354679.2 and 1 more transcripts); c.1549A>G, p.Asn517Asp (NM_001354676.2); c.1540A>G, p.Asn514Asp (NM_001354678.2); short protein forms N517D, N498D, N514D.
Identifiers: ClinVar variation 3722215 (VCV003722215.2).